The following is an entry in ClinVar:

ClinVar aggregate classification (germline): Uncertain significance (1 of 4 stars; one submission).

Submission:

Ambry Genetics
Classification: Uncertain significance. Last evaluated: 2024-08-18. Review status: criteria provided, single submitter. Criteria: Ambry Variant Classification Scheme 2023. Collection method: clinical testing. Allele origin: germline.
Comment: The p.S672A variant (also known as c.2014T>G), located in coding exon 18 of the BUB1 gene, results from a T to G substitution at nucleotide position 2014. The serine at codon 672 is replaced by alanine, an amino acid with similar properties. This amino acid position is conserved. In addition, this alteration is predicted to be tolerated by in silico analysis. Based on the available evidence, the clinical significance of this variant remains unclear.

NM_004336.5(BUB1):c.2014T>G (p.Ser672Ala)

Gene: BUB1 (BUB1 mitotic checkpoint serine/threonine kinase; minus strand). Cytogenetic location: 2q13.
Variant type: single nucleotide variant.
Coding change: c.2014T>G on transcript NM_004336.5 (MANE Select); coding-DNA position 2014, T replaced by G.
Protein change: p.Ser672Ala; replaces serine 672 with alanine.
Molecular consequence: missense variant.
Genome position (GRCh38, 1-based): chr2:110,650,735, A>C on the plus strand (T>G on the coding strand, the complement: BUB1 is on the minus strand). VCF-style: chr2-110650735-A-C. GRCh37 (hg19) VCF-style: chr2-111408312-A-C.
Other names: c.1954T>G, p.Ser652Ala (NM_001278616.2); c.2014T>G, p.Ser672Ala (NM_001278617.2); short protein forms S652A, S672A.
Identifiers: ClinVar variation 3483043 (VCV003483043.1).